The following is an entry in ClinVar:

NM_006648.4(WNK2):c.1686C>A (p.Asp562Glu)

Gene: WNK2 (WNK lysine deficient protein kinase 2; plus strand). Cytogenetic location: 9q22.31.
Variant type: single nucleotide variant.
Coding change: c.1686C>A on transcript NM_006648.4 (MANE Select); coding-DNA position 1686, C replaced by A.
Protein change: p.Asp562Glu; replaces aspartic acid 562 with glutamic acid.
Molecular consequence: missense variant.
Genome position (GRCh38, 1-based): chr9:93,247,686, C>A. VCF-style: chr9-93247686-C-A. GRCh37 (hg19) VCF-style: chr9-96009968-C-A.
Other names: c.1686C>A, p.Asp562Glu (NM_001282394.3); short protein forms D562E.
Identifiers: ClinVar variation 5031848 (VCV005031848.1).
Genomic context (GRCh38, chr9:93,247,686, plus strand): 5'-GCGGGAGAGGATCTGGCCCGCGCTGCAGCCCAAGGAGCAGCAGGATGTGGGCAGCCCGGA[C>A]AAGGCCAGGGGTCCGCCGGTGCCCCTGCAGGTCCAGGTGACCTACCATGCACAGGCTGGG-3'
Protein context (NP_006639.3, residues 552-572): PKEQQDVGSP[Asp562Glu]KARGPPVPLQ

ClinVar aggregate classification (germline): Uncertain significance (1 of 4 stars; one submission).

Submission:

Ambry Genetics
Classification: Uncertain significance. Last evaluated: 2026-07-13. Review status: criteria provided, single submitter. Criteria: Ambry Variant Classification Scheme 2023. Collection method: clinical testing. Allele origin: germline.
Comment: The p.D562E variant (also known as c.1686C>A), located in coding exon 7 of the WNK2 gene, results from a C to A substitution at nucleotide position 1686. The aspartic acid at codon 562 is replaced by glutamic acid, an amino acid with highly similar properties. This amino acid position is conserved. In addition, this alteration is predicted to be tolerated by in silico analysis. Based on the available evidence, the clinical significance of this variant remains unclear.